The following is an entry in ClinVar:

NM_002303.6(LEPR):c.2674-5968G>C

Gene: LEPR (leptin receptor; plus strand). Cytogenetic location: 1p31.3.
Variant type: single nucleotide variant.
Coding change: c.2674-5968G>C on transcript NM_002303.6 (MANE Select); 5968 bases into the intron before coding-DNA position 2674, G replaced by C.
Molecular consequence: intron variant. On other transcripts: missense variant (2).
Genome position (GRCh38, 1-based): chr1:65,630,223, G>C. VCF-style: chr1-65630223-G-C. GRCh37 (hg19) VCF-style: chr1-66095906-G-C.
Other names: c.2695G>C, p.Val899Leu (NM_001003680.3, NM_001198687.2); c.2674-2929G>C (NM_001003679.3, NM_001198689.2); short protein forms V899L.
Identifiers: ClinVar variation 3350713 (VCV003350713.1).

ClinVar aggregate classification (germline): Uncertain significance (0 of 4 stars; one submission).

Conditions:
LEPR-related disorder. Also called: LEPR-related condition; LEPR-related disorders.

Submission:

PreventionGenetics, part of Exact Sciences
Classification: Uncertain significance for LEPR-related condition. Last evaluated: 2024-08-27. Review status: no assertion criteria provided. Collection method: clinical testing. Allele origin: germline.
Comment: The LEPR c.2695G>C variant is predicted to result in the amino acid substitution p.Val899Leu. In vitro functional studies showed this variant had function similar to that of wildtype levels (Supplemental Data Set, Shah et al. 2023. PubMed ID: 36864747). Of note, other variants impacting the same amino acid either had function suggestive of loss of function (p.Phe899Ser, p.Phe899Tyr, and p.Phe899Val) or levels similar to wildtype (p.Phe899Cys and p.Phe899Ile). This variant is reported in 0.023% of alleles in individuals of African descent in gnomAD. Although we suspect that this variant may be benign, at this time, the clinical significance of this variant is uncertain due to the absence of conclusive functional and genetic evidence.